The following is an entry in ClinVar:

ClinVar aggregate classification (germline): Uncertain significance (1 of 4 stars; one submission).

Submission:

GeneDx
Classification: Uncertain significance. Last evaluated: 2022-01-21. Review status: criteria provided, single submitter. Criteria: GeneDx Variant Classification Process June 2021. Collection method: clinical testing. Allele origin: germline. Affected: yes.
Comment: Not observed at significant frequency in large population cohorts (gnomAD); Nonsense variant predicted to result in protein truncation or nonsense mediated decay in a gene for which loss-of-function is not a known mechanism of disease; Has not been previously published as pathogenic or benign to our knowledge

NM_001128840.3(CACNA1D):c.1011G>A (p.Trp337Ter)

Gene: CACNA1D (calcium voltage-gated channel subunit alpha1 D; plus strand). Cytogenetic location: 3p21.1.
Variant type: single nucleotide variant.
Coding change: c.1011G>A on transcript NM_001128840.3 (MANE Select); coding-DNA position 1011, G replaced by A.
Protein change: p.Trp337Ter; replaces tryptophan 337 with a stop codon.
Molecular consequence: nonsense.
Genome position (GRCh38, 1-based): chr3:53,666,430, G>A. VCF-style: chr3-53666430-G-A. GRCh37 (hg19) VCF-style: chr3-53700457-G-A.
Other names: c.1011G>A, p.Trp337Ter (NM_000720.4, NM_001128839.3); short protein forms W337*.
Identifiers: ClinVar variation 1698079 (VCV001698079.2), dbSNP rs2108367426, ClinGen allele CA353383489.